The following is an entry in ClinVar:

ClinVar aggregate classification (germline): Pathogenic/Likely pathogenic. Review status: criteria provided, multiple submitters, no conflicts (2 of 4 stars). 4 submissions from 4 submitters: Pathogenic (2); Likely pathogenic (1). 1 of the submissions does not count toward it. Last evaluated 2022-08-12.

Conditions:
G6PD-related disorders.
G6PD TOMAH.
Anemia, nonspherocytic hemolytic, due to G6PD deficiency (CNSHA1). Also called: ANEMIA, CONGENITAL, NONSPHEROCYTIC HEMOLYTIC, 1; Class I glucose-6-phosphate dehydrogenase deficiency; Favism, susceptibility to; Hemolytic anemia due to G6PD deficiency. Identifiers: Orphanet 466026, MedGen C2720289, MONDO:0010480, OMIM 300908.

Submissions (4):

Dunham Lab, University of Washington
Classification: Pathogenic for Anemia, nonspherocytic hemolytic, due to G6PD deficiency. Last evaluated: 2022-08-12. Review status: criteria provided, single submitter. Criteria: Bayesian ACMG Guidelines, 2018. Collection method: curation. Allele origin: unknown. Affected: yes.
Comment: Variant found in unrelated hemizygotes with deficiency and CNSHA (PS4_M, PP4). Decreased activity in red blood cells (1-11%) (PS3). Within dimer interface (PM1). Predicted to be pathogenic or deleterious by several in silico tools (PP3). Not found in gnomAD (PM2). Post_P 0.999 (odds of pathogenicity 6568, Prior_P 0.1).

Blueprint Genetics
Classification: Likely pathogenic for G6PD-related disorders. Last evaluated: 2018-12-17. Review status: criteria provided, single submitter. Criteria: ACMG Guidelines, 2015. Collection method: clinical testing. Allele origin: germline. Affected: yes. Observed: 1 variant allele.

Rady Children's Institute for Genomic Medicine, Rady Children's Hospital San Diego
Classification: Pathogenic for G6PD TOMAH. Last evaluated: 2017-11-09. Review status: criteria provided, single submitter. Criteria: ACMG Guidelines, 2015. Collection method: clinical testing. Allele origin: germline. Affected: yes. Observed: 1 variant allele.
Comment: This variant has previously been described as pathogenic including in a patient with chronic non-spherocytic haemolytic anaemia (PMID: 2602358). Functional characterization of the variant demonstrated severely reduced function (PMID: 2602358). The variant is not present in public reference databases, and is thus presumed rare. The residue is conserved within vertebrates, and the substitution of an arginine residue is predicted to be damaging by in silico methods. There are additional reports of different amino acid substitutions at this residue also as pathogenic (PMID: 9410474, 9332310, 28028996). Based on the available evidence, the variant is classified as pathogenic.

OMIM
Classification: other for G6PD TOMAH. Last evaluated: 2013-04-18. Review status: no assertion criteria provided. Collection method: literature only. Allele origin: germline. Not counted in ClinVar's aggregate classification.

Literature cited by the submitters: PubMed 2602358 (cited by Dunham Lab, University of Washington and OMIM); PubMed 9674740 (cited by Dunham Lab, University of Washington); PubMed 7577654 (cited by Dunham Lab, University of Washington); PubMed 28028996 (cited by Dunham Lab, University of Washington); PubMed 31294066 (cited by Dunham Lab, University of Washington).

NM_000402.4(G6PD):c.1243T>C (p.Cys415Arg)

Gene: G6PD (glucose-6-phosphate dehydrogenase; minus strand). Cytogenetic location: Xq28.
Variant type: single nucleotide variant.
Coding change: c.1243T>C on transcript NM_000402.4; coding-DNA position 1243, T replaced by C.
Protein change: p.Cys415Arg; replaces cysteine 415 with arginine.
Molecular consequence: missense variant.
Genome position (GRCh38, 1-based): chrX:154,532,701, A>G on the plus strand (T>C on the coding strand, the complement: G6PD is on the minus strand). VCF-style: chrX-154532701-A-G. GRCh37 (hg19) VCF-style: chrX-153760916-A-G.
Other names: G6PD, CYS385ARG; G6PD Tomah; c.1153T>C, p.Cys385Arg (NM_001042351.3, NM_001360016.2); c.1153T>C (NM_001042351.1); short protein forms C385R, C415R.
Identifiers: ClinVar variation 10377 (VCV000010377.5), dbSNP rs137852322, ClinGen allele CA120972.